The following is an entry in ClinVar:

ClinVar aggregate classification (germline): Uncertain significance (1 of 4 stars; one submission).

Conditions:
Familial intrahepatic cholestasis. Identifiers: Orphanet 284385, MedGen CN296401, MONDO:0017290.
Low phospholipid associated cholelithiasis (GBD1). Also called: Gallbladder disease 1; Gallstone cholecystitis. Identifiers: Orphanet 69663, MedGen C2609268, MONDO:0010939, OMIM 600803.

Submission:

Genomenon, Inc
Classification: Uncertain significance for Familial intrahepatic cholestasis; Low phospholipid associated cholelithiasis. Last evaluated: 2026-04-14. Review status: criteria provided, single submitter. Criteria: Genomenon Sequence Variant Interpretation Standards - Updated. Collection method: curation. Allele origin: germline. Affected: no.
Comment: ABCB4 p.Glu1128_Ala1131del (c.3382_3393del) is an in-frame deletion variant that causes the deletion of multiple amino acids, from Glutamic acid at position 1128 to Alanine at position 1131. This variant has been reported in the published literature (PMID:38374565). It is absent or not present at a significant frequency in gnomAD. In conclusion, we classify ABCB4 p.Glu1128_Ala1131del (c.3382_3393del) as a variant of uncertain significance.

Literature cited by the submitters: PubMed 38374565.

NM_000443.4(ABCB4):c.3382_3393del (p.Glu1128_Ala1131del)

Gene: ABCB4 (ATP binding cassette subfamily B member 4; minus strand). Cytogenetic location: 7q21.12.
Variant type: Deletion.
Coding change: c.3382_3393del on transcript NM_000443.4 (MANE Select); coding-DNA positions 3382 to 3393, 12 bases deleted (GAGAATATTGCC).
Protein change: p.Glu1128_Ala1131del.
Genome position (GRCh38, 1-based): chr7:87,406,381-87,406,392, GGCAATATTCTC deleted on the plus strand (GAGAATATTGCC on the coding strand, the reverse complement: ABCB4 is on the minus strand); deleting any 12 consecutive bases within chr7:87,406,381-87,406,398 gives the same sequence; the c. name uses the placement nearest the transcript's 3' end. VCF-style (leftmost placement, unchanged base first): chr7-87406380-AGGCAATATTCTC-A. GRCh37 (hg19) VCF-style: chr7-87035696-AGGCAATATTCTC-A.
Other names: c.3403_3414del, p.Glu1135_Ala1138del (NM_018849.3); c.3241_3252del, p.Glu1081_Ala1084del (NM_018850.3).
Identifiers: ClinVar variation 4846428 (VCV004846428.1).